The following is an entry in ClinVar:

NM_003114.5(SPAG1):c.832+5A>G

Gene: SPAG1 (sperm associated antigen 1; plus strand). Cytogenetic location: 8q22.2.
Variant type: single nucleotide variant.
Coding change: c.832+5A>G on transcript NM_003114.5 (MANE Select); 5 bases into the intron after coding-DNA position 832, A replaced by G.
Molecular consequence: intron variant.
Genome position (GRCh38, 1-based): chr8:100,187,255, A>G. VCF-style: chr8-100187255-A-G. GRCh37 (hg19) VCF-style: chr8-101199483-A-G.
Other names: c.832+5A>G (NM_001374321.1, NM_172218.3).
Identifiers: ClinVar variation 2145569 (VCV002145569.4), dbSNP rs763309080, ClinGen allele CA4827359.
Genomic context (GRCh38, chr8:100,187,255, plus strand): 5'-TAGTGCTTTTCAGGATTGTGAAAAGGTCTTGGAGTTAGAACCTGGAAACGTAAAGGGTAA[A>G]AAATATTATAGAATTCTTTTACATTTACAGCAGGATCCATTAATAAAGACCATTTGTAGA-3'

ClinVar aggregate classification (germline): Uncertain significance (1 of 4 stars; one submission).

Conditions:
Primary ciliary dyskinesia 28. Also called: CILIARY DYSKINESIA, PRIMARY, 28, WITH OR WITHOUT SITUS INVERSUS. Identifiers: Orphanet 244, MedGen C3809706, MONDO:0014216, OMIM 615505.

Allele frequency attached by ClinVar (database versions not stated): ExAC 0.00001; gnomAD exomes 0.00001.
gnomAD v4.1: 3 of 1,599,944 alleles (0.00019%); highest among the groups gnomAD compares: Non-Finnish European, 0.00026%; no homozygotes.

Submission:

Labcorp Genetics (formerly Invitae), Labcorp
Classification: Uncertain significance for Primary ciliary dyskinesia 28. Last evaluated: 2022-07-04. Review status: criteria provided, single submitter. Criteria: Invitae Variant Classification Sherloc (09022015). Collection method: clinical testing. Allele origin: germline.
Comment: This variant is present in population databases (rs763309080, gnomAD 0.0009%). In summary, the available evidence is currently insufficient to determine the role of this variant in disease. Therefore, it has been classified as a Variant of Uncertain Significance. Variants that disrupt the consensus splice site are a relatively common cause of aberrant splicing (PMID: 17576681, 9536098). Algorithms developed to predict the effect of sequence changes on RNA splicing suggest that this variant is not likely to affect RNA splicing. This variant has not been reported in the literature in individuals affected with SPAG1-related conditions. This sequence change falls in intron 8 of the SPAG1 gene. It does not directly change the encoded amino acid sequence of the SPAG1 protein. It affects a nucleotide within the consensus splice site.

Literature cited by the submitters: PubMed 17576681; PubMed 9536098.